The following is an entry in ClinVar:

ClinVar aggregate classification (germline): Likely benign. Review status: criteria provided, multiple submitters, no conflicts (2 of 4 stars). 2 submissions from 2 submitters: Likely benign (2). Last evaluated 2026-07-07.

Conditions:
Rhabdoid tumor predisposition syndrome 2 (RTPS2). Identifiers: Orphanet 231108, Orphanet 69077, MedGen C2750074, MONDO:0013224, OMIM 613325.

Allele frequency attached by ClinVar (database versions not stated): gnomAD exomes 0.00001.

Submissions (2):

Myriad Genetics, Inc.
Classification: Likely benign for Rhabdoid tumor predisposition syndrome 2. Last evaluated: 2026-07-07. Review status: criteria provided, single submitter. Criteria: Myriad Autosomal Dominant, Autosomal Recessive and X-Linked Classification Criteria (2023). Collection method: clinical testing. Allele origin: unknown.
Comment: This variant is considered likely benign. This variant is intronic and is not expected to impact mRNA splicing.

Labcorp Genetics (formerly Invitae), Labcorp
Classification: Likely benign for Rhabdoid tumor predisposition syndrome 2. Last evaluated: 2024-04-09. Review status: criteria provided, single submitter. Criteria: Invitae Variant Classification Sherloc (09022015). Collection method: clinical testing. Allele origin: germline.

NM_003072.5(SMARCA4):c.2439-18A>G

Gene: SMARCA4 (SWI/SNF related BAF chromatin remodeling complex subunit ATPase 4; plus strand). Cytogenetic location: 19p13.2.
Variant type: single nucleotide variant.
Coding change: c.2439-18A>G on transcript NM_003072.5 (MANE Select); 18 bases into the intron before coding-DNA position 2439, A replaced by G.
Molecular consequence: intron variant.
Genome position (GRCh38, 1-based): chr19:11,018,939, A>G. VCF-style: chr19-11018939-A-G. GRCh37 (hg19) VCF-style: chr19-11129615-A-G.
Other names: c.2439-18A>G (NM_001128844.3, NM_001128849.3, NM_001128847.4 and 5 more transcripts).
Identifiers: ClinVar variation 2043165 (VCV002043165.5), dbSNP rs1358477863, ClinGen allele CA631758780.